The following is an entry in ClinVar:

NM_003060.4(SLC22A5):c.248G>T (p.Arg83Leu)

Gene: SLC22A5 (solute carrier family 22 member 5; plus strand). Cytogenetic location: 5q31.1.
Variant type: single nucleotide variant.
Coding change: c.248G>T on transcript NM_003060.4 (MANE Select); coding-DNA position 248, G replaced by T.
Protein change: p.Arg83Leu; replaces arginine 83 with leucine.
Molecular consequence: missense variant.
Genome position (GRCh38, 1-based): chr5:132,370,220, G>T. VCF-style: chr5-132370220-G-T. GRCh37 (hg19) VCF-style: chr5-131705912-G-T.
Other names: p.R83L:CGC>CTC; c.248G>T, p.Arg83Leu (NM_001308122.2).
Identifiers: ClinVar variation 25361 (VCV000025361.46), dbSNP rs72552726, ClinGen allele CA312935.

ClinVar aggregate classification (germline): Pathogenic/Likely pathogenic. Review status: criteria provided, multiple submitters, no conflicts (2 of 4 stars). 15 submissions from 15 submitters: Pathogenic (11); Likely pathogenic (3). 1 of the submissions does not count toward it. Last evaluated 2026-01-13.

Conditions:
Carnitine deficiency. Identifiers: MedGen C1142132.
SLC22A5-related disorder. Also called: SLC22A5-related condition.
Renal carnitine transport defect (CDSP). Also called: CARNITINE DEFICIENCY, SYSTEMIC, DUE TO DEFECT IN RENAL REABSORPTION OF CARNITINE; CARNITINE TRANSPORTER, PLASMA-MEMBRANE, DEFICIENCY OF; CARNITINE UPTAKE DEFECT; Primary carnitine deficiency; Carnitine transporter deficiency; Systemic primary carnitine deficiency disease. Identifiers: Orphanet 158, MedGen C0342788, MONDO:0008919, OMIM 212140.

Allele frequency attached by ClinVar (database versions not stated): gnomAD below 0.00001 and 0.00006; ExAC 0.00043; 1000 Genomes Project 30x 0.00062; TOPMed 0.00003; gnomAD exomes 0.00027; 1000 Genomes Project 0.00080.
gnomAD v4.1: 162 of 1,586,198 alleles (0.01%); highest among the groups gnomAD compares: South Asian, 0.18%; no homozygotes.

Submissions 1 to 10 of 15:

Labcorp Genetics (formerly Invitae), Labcorp
Classification: Pathogenic for Renal carnitine transport defect. Last evaluated: 2026-01-13. Review status: criteria provided, single submitter. Criteria: Invitae Variant Classification Sherloc (09022015). Collection method: clinical testing. Allele origin: germline.
Comment: This sequence change replaces arginine, which is basic and polar, with leucine, which is neutral and non-polar, at codon 83 of the SLC22A5 protein (p.Arg83Leu). This variant is present in population databases (rs72552726, gnomAD 0.2%). This missense change has been observed in individuals with primary carnitine deficiency (PMID: 15617188, 20574985, 21126579, 21922592; internal data). It has also been observed to segregate with disease in related individuals. ClinVar contains an entry for this variant (Variation ID: 25361). Invitae Evidence Modeling of protein sequence and biophysical properties (such as structural, functional, and spatial information, amino acid conservation, physicochemical variation, residue mobility, and thermodynamic stability) indicates that this missense variant is expected to disrupt SLC22A5 protein function with a positive predictive value of 95%. Experimental studies have shown that this missense change affects SLC22A5 function (PMID: 15617188, 16652335, 21126579). For these reasons, this variant has been classified as Pathogenic.

Natera, Inc.
Classification: Pathogenic for Carnitine deficiency. Last evaluated: 2025-12-18. Review status: criteria provided, single submitter. Criteria: Natera Variant Classification Schema (03/2026). Collection method: clinical testing. Allele origin: germline.
Comment: The c.248G>T variant in SLC22A5 is a missense variant predicted to cause substitution of arginine to leucine at amino acid 83. This variant is rare in the general population with a frequency below the threshold expected for the associated phenotype(s). This variant has been observed in one or more individuals affected with the associated recessive disease, as either homozygous or compound heterozygous with a second variant (PMID: 15617188, 28841266, 20574985). Computational prediction algorithms indicate this variant is likely to affect gene or protein function. Given the available evidence, this variant is classified as Pathogenic.

Dubai Health Genomic Medicine Center, Dubai Health
Classification: Pathogenic for Carnitine deficiency. Last evaluated: 2024-10-04. Review status: criteria provided, single submitter. Criteria: ACMG Guidelines, 2015. Collection method: research. Allele origin: germline. Affected: yes.
Comment: PS3,PP1,PM3 (strong),PM2,PM5

Blueprint Genetics
Classification: Pathogenic for SLC22A5-related disorders. Last evaluated: 2024-09-04. Review status: criteria provided, single submitter. Criteria: ACMG Guidelines, 2015. Collection method: clinical testing. Allele origin: germline. Affected: yes. Observed: 5 variant alleles.

Revvity Omics, Revvity
Classification: Pathogenic for Renal carnitine transport defect. Last evaluated: 2024-07-09. Review status: criteria provided, single submitter. Criteria: ACMG Guidelines, 2015. Collection method: clinical testing. Allele origin: germline.

Neuberg Centre For Genomic Medicine, NCGM
Classification: Pathogenic for Renal carnitine transport defect. Last evaluated: 2023-07-22. Review status: criteria provided, single submitter. Criteria: ACMG Guidelines, 2015. Collection method: clinical testing. Allele origin: germline. Inheritance: Autosomal dominant inheritance. Affected: yes.
Comment: The missense variant c.248G>Tp.Arg83Leu in the SLC22A5 gene has been reported previously in homozygous/ heterozygous/ compound heterozygous state in multiple individuals with Primary carnitine deficiency. Experimental studies have shown that this missense change affects SLC22A5 function El-Hattab et al., 2010; Filippo CA, et al., 2011. The variant has 0.03% allele frequency in gnomAD Exomes and is novel not in any individuals in 1000 Genomes. This variant has been reported to the ClinVar database as Uncertain Significance/Likely Pathogenic/ Pathogenic multiple submissions. The amino acid Arginine at position 83 is changed to a Leucine changing protein sequence and it might alter its composition and physico-chemical properties. The variant is predicted to be damaging by SIFT. The amino acid change p.Arg83Leu in SLC22A5 is predicted as conserved by GERP++ and PhyloP across 100 vertebrates. For these reasons, this variant has been classified as Pathogenic. In the absence of another reportable variant, the molecular diagnosis is not confirmed.

Genome-Nilou Lab
Classification: Likely pathogenic for Renal carnitine transport defect. Last evaluated: 2021-07-15. Review status: criteria provided, single submitter. Criteria: ACMG Guidelines, 2015. Collection method: clinical testing. Allele origin: germline. Affected: no.

GeneDx
Classification: Pathogenic. Last evaluated: 2020-03-19. Review status: criteria provided, single submitter. Criteria: GeneDx Variant Classification Process June 2021. Collection method: clinical testing. Allele origin: germline. Affected: yes.
Comment: Reported previously in association with primary/systemic carnitine deficiency (PCD) in patients who were homozygous for the R83L variant, as well as in both an infant who was identified who had low free carnitine levels by newborn screening and in the infant's affected mother (Makhseed et al., 2004; Li et al., 2010; El-Hattab et al., 2010); Reported with a second pathogenic variant in the asymptomatic mother of an infant identified with low free carnitine levels by newborn screening (Rose et al., 2012); In functional studies R83L impaired maturation of the transporter to the plasma membrane (Filippo et al., 2011), and reduced carnitine transport to less than 1% in CHO cell expression studies (Frigeni et al., 2017); In silico analysis supports that this missense variant has a deleterious effect on protein structure/function; This variant is associated with the following publications: (PMID: 15714519, 23430858, 28841266, 20027113, 26589311, 16652335, 21126579, 16602102, 15617188, 26828774, 20574985, 21922592, 25132046)

Myriad Genetics, Inc.
Classification: Likely pathogenic for Renal carnitine transport defect. Last evaluated: 2020-01-06. Review status: criteria provided, single submitter. Criteria: Myriad Women's Health Autosomal Recessive and X-Linked Classification Criteria (2019). Collection method: clinical testing. Allele origin: unknown.
Comment: NM_003060.3(SLC22A5):c.248G>T(R83L) is classified as likely pathogenic in the context of primary carnitine deficiency. Sources cited for classification include the following: PMID 24516753, 25132046, 20574985, 16652335, 21126579, 21922592 and 15617188. Classification of NM_003060.3(SLC22A5):c.248G>T(R83L) is based on the following criteria: There is strong evidence of association with the variant and the relevant disease and there is functional data showing deficient protein function. Please note: this variant was assessed in the context of healthy population screening.

Fulgent Genetics
Classification: Pathogenic for Renal carnitine transport defect. Last evaluated: 2018-10-31. Review status: criteria provided, single submitter. Criteria: ACMG Guidelines, 2015. Collection method: clinical testing. Allele origin: unknown.